The following is an entry in ClinVar:

NM_006767.4(LZTR1):c.1892G>A (p.Arg631Gln)

Gene: LZTR1 (leucine zipper like post translational regulator 1; plus strand). Cytogenetic location: 22q11.21.
Variant type: single nucleotide variant.
Coding change: c.1892G>A on transcript NM_006767.4 (MANE Select); coding-DNA position 1892, G replaced by A.
Protein change: p.Arg631Gln; replaces arginine 631 with glutamine.
Molecular consequence: missense variant.
Genome position (GRCh38, 1-based): chr22:20,994,976, G>A. VCF-style: chr22-20994976-G-A. GRCh37 (hg19) VCF-style: chr22-21349265-G-A.
Other names: short protein forms R631Q.
Identifiers: ClinVar variation 1366567 (VCV001366567.10), dbSNP rs372970613, ClinGen allele CA10119099.

ClinVar aggregate classification (germline): Uncertain significance. Review status: criteria provided, multiple submitters, no conflicts (2 of 4 stars). 2 submissions from 2 submitters: Uncertain significance (2). Last evaluated 2025-11-19.

Conditions:
Hereditary cancer-predisposing syndrome. Also called: Neoplastic Syndromes, Hereditary; Tumor predisposition; Hereditary neoplastic syndrome; Hereditary Cancer Syndrome. Identifiers: Orphanet 140162, MedGen C0027672, MeSH D009386, MONDO:0015356.
Cardiovascular phenotype. Identifiers: MedGen CN230736.

Allele frequency attached by ClinVar (database versions not stated): ExAC 0.00001; gnomAD 0.00001 and 0.00002; gnomAD exomes 0.00001; ESP Exome Variant Server 0.00008.

Submissions (2):

Labcorp Genetics (formerly Invitae), Labcorp
Classification: Uncertain significance. Last evaluated: 2025-11-19. Review status: criteria provided, single submitter. Criteria: Invitae Variant Classification Sherloc (09022015). Collection method: clinical testing. Allele origin: germline.
Comment: This sequence change replaces arginine, which is basic and polar, with glutamine, which is neutral and polar, at codon 631 of the LZTR1 protein (p.Arg631Gln). This variant is present in population databases (rs372970613, gnomAD 0.006%). This variant has not been reported in the literature in individuals affected with LZTR1-related conditions. ClinVar contains an entry for this variant (Variation ID: 1366567). Invitae Evidence Modeling of protein sequence and biophysical properties (such as structural, functional, and spatial information, amino acid conservation, physicochemical variation, residue mobility, and thermodynamic stability) indicates that this missense variant is not expected to disrupt LZTR1 protein function with a negative predictive value of 80%. In summary, the available evidence is currently insufficient to determine the role of this variant in disease. Therefore, it has been classified as a Variant of Uncertain Significance.

Ambry Genetics
Classification: Uncertain significance for Cardiovascular phenotype; Hereditary cancer-predisposing syndrome. Last evaluated: 2025-03-12. Review status: criteria provided, single submitter. Criteria: Ambry Variant Classification Scheme 2023. Collection method: clinical testing. Allele origin: germline.
Comment: The p.R631Q variant (also known as c.1892G>A), located in coding exon 16 of the LZTR1 gene, results from a G to A substitution at nucleotide position 1892. The arginine at codon 631 is replaced by glutamine, an amino acid with highly similar properties. This amino acid position is highly conserved in available vertebrate species. In addition, the in silico prediction for this alteration is inconclusive. Based on the available evidence, the clinical significance of this variant remains unclear.